The following is an entry in ClinVar:

NM_033380.3(COL4A5):c.3722G>C (p.Gly1241Ala)

Gene: COL4A5 (collagen type IV alpha 5 chain; plus strand). Cytogenetic location: Xq22.3.
Variant type: single nucleotide variant.
Coding change: c.3722G>C on transcript NM_033380.3 (MANE Select); coding-DNA position 3722, G replaced by C.
Protein change: p.Gly1241Ala; replaces glycine 1241 with alanine.
Molecular consequence: missense variant.
Genome position (GRCh38, 1-based): chrX:108,668,436, G>C. VCF-style: chrX-108668436-G-C. GRCh37 (hg19) VCF-style: chrX-107911666-G-C.
Other names: c.3722G>C, p.Gly1241Ala (NM_000495.5); short protein forms G1241A.
Identifiers: ClinVar variation 4796777 (VCV004796777.1).

ClinVar aggregate classification (germline): Likely pathogenic (1 of 4 stars; one submission).

Conditions:
X-linked Alport syndrome (ATS1). Also called: COL4A5-Related Nephropathy; NEPHROPATHY AND DEAFNESS, X-LINKED. Identifiers: Orphanet 63, Orphanet 88917, MedGen C4746986, MONDO:0010520, OMIM 301050.

Submission:

MVZ Medizinische Genetik Mainz
Classification: Likely pathogenic for X-linked Alport syndrome. Last evaluated: 2026-01-21. Review status: criteria provided, single submitter. Criteria: UK Practice Guidelines For Variant Classification V4 01 2020. Collection method: clinical testing. Allele origin: germline. Inheritance: Autosomal dominant inheritance. Affected: yes. Observed: 1 variant allele.
Comment: ACMG Criteria: PM1_STR,PM5,PM2_SUP,PP3